The following is an entry in ClinVar:

ClinVar aggregate classification (germline): Uncertain significance. Review status: criteria provided, multiple submitters, no conflicts (2 of 4 stars). 2 submissions from 2 submitters: Uncertain significance (2). Last evaluated 2025-12-09.

Conditions:
Inborn genetic diseases. Identifiers: MedGen C0950123, MeSH D030342.
Autosomal recessive limb-girdle muscular dystrophy type 2Q (LGMDR17). Also called: MUSCULAR DYSTROPHY, LIMB-GIRDLE, AUTOSOMAL RECESSIVE 17. Identifiers: Orphanet 254361, MedGen C3150989, MONDO:0013390, OMIM 613723.
Epidermolysis bullosa simplex 5B, with muscular dystrophy (EBS5B). Also called: EPIDERMOLYSIS BULLOSA SIMPLEX AND LIMB-GIRDLE MUSCULAR DYSTROPHY; Epidermolysis bullosa simplex with muscular dystrophy. Identifiers: Orphanet 257, MedGen C2931072, MONDO:0009181, OMIM 226670.
Epidermolysis bullosa simplex, Ogna type (EBS5A). Also called: Pidermolysis bullosa simplex 5A, Ogna type; EPIDERMOLYSIS BULLOSA SIMPLEX 5A, OGNA TYPE. Identifiers: Orphanet 79401, MedGen C0432317, MONDO:0007555, OMIM 131950.
Epidermolysis bullosa simplex with nail dystrophy (EBS5D). Identifiers: MedGen C4225309, MONDO:0014661, OMIM 616487.
Epidermolysis bullosa simplex 5C, with pyloric atresia (EBS5C). Also called: Epidermolysis bullosa simplex with pyloric atresia; PLEC1-Related Epidermolysis Bullosa with Pyloric Atresia; PLEC-Related Epidermolysis Bullosa with Pyloric Atresia. Identifiers: Orphanet 158684, MedGen C2677349, MONDO:0012807, OMIM 612138.

Allele frequency attached by ClinVar (database versions not stated): gnomAD 0.00001.
gnomAD v4.1: 1 of 1,608,408 alleles (0.000062%); highest among the groups gnomAD compares: Admixed American, 0.0017%; no homozygotes.

Submissions (2):

Ambry Genetics
Classification: Uncertain significance for Inborn genetic diseases. Last evaluated: 2025-12-09. Review status: criteria provided, single submitter. Criteria: Ambry Variant Classification Scheme 2023. Collection method: clinical testing. Allele origin: germline.

Labcorp Genetics (formerly Invitae), Labcorp
Classification: Uncertain significance for Autosomal recessive limb-girdle muscular dystrophy type 2Q; Epidermolysis bullosa simplex, Ogna type; Epidermolysis bullosa simplex with nail dystrophy; Epidermolysis bullosa simplex 5C, with pyloric atresia; Epidermolysis bullosa simplex 5B, with muscular dystrophy. Last evaluated: 2022-02-20. Review status: criteria provided, single submitter. Criteria: Invitae Variant Classification Sherloc (09022015). Collection method: clinical testing. Allele origin: germline.
Comment: In summary, the available evidence is currently insufficient to determine the role of this variant in disease. Therefore, it has been classified as a Variant of Uncertain Significance. Algorithms developed to predict the effect of missense changes on protein structure and function (SIFT, PolyPhen-2, Align-GVGD) all suggest that this variant is likely to be disruptive. This variant has not been reported in the literature in individuals affected with PLEC-related conditions. This variant is not present in population databases (gnomAD no frequency). This sequence change replaces lysine, which is basic and polar, with glutamine, which is neutral and polar, at codon 2240 of the PLEC protein (p.Lys2240Gln).

NM_201384.3(PLEC):c.6637A>C (p.Lys2213Gln)

Gene: PLEC (plectin; minus strand). Cytogenetic location: 8q24.3.
Variant type: single nucleotide variant.
Coding change: c.6637A>C on transcript NM_201384.3 (MANE Select); coding-DNA position 6637, A replaced by C.
Protein change: p.Lys2213Gln; replaces lysine 2213 with glutamine.
Molecular consequence: missense variant.
Genome position (GRCh38, 1-based): chr8:143,923,292, T>G on the plus strand (A>C on the coding strand, the complement: PLEC is on the minus strand). VCF-style: chr8-143923292-T-G. GRCh37 (hg19) VCF-style: chr8-144997460-T-G.
Other names: c.6718A>C, p.Lys2240Gln (NM_000445.5); c.6595A>C, p.Lys2199Gln (NM_201378.4); c.6571A>C, p.Lys2191Gln (NM_201379.3); c.7048A>C, p.Lys2350Gln (NM_201380.4); c.6541A>C, p.Lys2181Gln (NM_201381.3); c.6637A>C, p.Lys2213Gln (NM_201382.4); c.6649A>C, p.Lys2217Gln (NM_201383.3); c.6718A>C (NM_000445.3); short protein forms K2181Q, K2350Q, K2199Q, K2217Q, K2191Q, K2213Q, K2240Q.
Identifiers: ClinVar variation 1472625 (VCV001472625.9), dbSNP rs1823576456, ClinGen allele CA372533116.
Genomic context (GRCh38, chr8:143,923,292, plus strand): 5'-CCGAGAAGAGCTCCTCCTCCACCTGGCTGCGCTGGCGTGCGGCCTCCGTGGCCTCCGCCT[T>G]CAGCCGCTGCAGCTCCTCGTCCAGCAGGTTCTTCTGGTGGTCGGTCTCCTCCAGCTGCAG-3'
Protein context (NP_958786.1, residues 2203-2223): NLLDEELQRL[Lys2213Gln]AEATEAARQR